The following is an entry in ClinVar:

ClinVar aggregate classification (germline): Uncertain significance (1 of 4 stars; one submission).

Submission:

Labcorp Genetics (formerly Invitae), Labcorp
Classification: Uncertain significance. Last evaluated: 2022-10-04. Review status: criteria provided, single submitter. Criteria: Invitae Variant Classification Sherloc (09022015). Collection method: clinical testing. Allele origin: germline.
Comment: In summary, the available evidence is currently insufficient to determine the role of this variant in disease. Therefore, it has been classified as a Variant of Uncertain Significance. Algorithms developed to predict the effect of missense changes on protein structure and function output the following: SIFT: "Tolerated"; PolyPhen-2: "Benign"; Align-GVGD: "Class C0". The asparagine amino acid residue is found in multiple mammalian species, which suggests that this missense change does not adversely affect protein function. This variant has not been reported in the literature in individuals affected with EYS-related conditions. This variant is not present in population databases (gnomAD no frequency). This sequence change replaces serine, which is neutral and polar, with asparagine, which is neutral and polar, at codon 613 of the EYS protein (p.Ser613Asn).

NM_001142800.2(EYS):c.1838G>A (p.Ser613Asn)

Gene: EYS (EGF-like photoreceptor maintenance factor; minus strand). Cytogenetic location: 6q12.
Variant type: single nucleotide variant.
Coding change: c.1838G>A on transcript NM_001142800.2 (MANE Select); coding-DNA position 1838, G replaced by A.
Protein change: p.Ser613Asn; replaces serine 613 with asparagine.
Molecular consequence: missense variant.
Genome position (GRCh38, 1-based): chr6:65,296,048, C>T on the plus strand (G>A on the coding strand, the complement: EYS is on the minus strand). VCF-style: chr6-65296048-C-T. GRCh37 (hg19) VCF-style: chr6-66005941-C-T.
Other names: c.1838G>A, p.Ser613Asn (NM_001292009.2); short protein forms S613N.
Identifiers: ClinVar variation 1969878 (VCV001969878.5), dbSNP rs1768655149, ClinGen allele CA364659708.